The following is an entry in ClinVar:

ClinVar aggregate classification (germline): Uncertain significance (1 of 4 stars; one submission).

Conditions:
Hereditary breast ovarian cancer syndrome. Also called: Hereditary breast and ovarian cancer; BRCA1- and BRCA2-Associated Hereditary Breast and Ovarian Cancer; Hereditary breast and ovarian cancer syndrome; Breast and ovarian cancer; Hereditary breast and ovarian cancer syndrome (HBOC); Hereditary breast and/or ovarian cancer syndrome. Identifiers: Orphanet 145, MedGen C0677776, MeSH D061325, MONDO:0003582. Disease mechanism: loss of function.

Submission:

Labcorp Genetics (formerly Invitae), Labcorp
Classification: Uncertain significance for Hereditary breast ovarian cancer syndrome. Last evaluated: 2025-07-13. Review status: criteria provided, single submitter. Criteria: Invitae Variant Classification Sherloc (09022015). Collection method: clinical testing. Allele origin: germline.
Comment: This sequence change replaces lysine, which is basic and polar, with arginine, which is basic and polar, at codon 793 of the BRCA2 protein (p.Lys793Arg). This variant is not present in population databases (gnomAD no frequency). This variant has not been reported in the literature in individuals affected with BRCA2-related conditions. ClinVar contains an entry for this variant (Variation ID: 2820927). Invitae Evidence Modeling of protein sequence and biophysical properties (such as structural, functional, and spatial information, amino acid conservation, physicochemical variation, residue mobility, and thermodynamic stability) indicates that this missense variant is not expected to disrupt BRCA2 protein function with a negative predictive value of 95%. In summary, the available evidence is currently insufficient to determine the role of this variant in disease. Therefore, it has been classified as a Variant of Uncertain Significance.

NM_000059.4(BRCA2):c.2378A>G (p.Lys793Arg)

Gene: BRCA2 (BRCA2 DNA repair associated; plus strand). Cytogenetic location: 13q13.1.
Variant type: single nucleotide variant.
Coding change: c.2378A>G on transcript NM_000059.4 (MANE Select); coding-DNA position 2378, A replaced by G.
Protein change: p.Lys793Arg; replaces lysine 793 with arginine.
Molecular consequence: missense variant. On other transcripts: non-coding transcript variant (1), intron variant (2).
Genome position (GRCh38, 1-based): chr13:32,336,733, A>G. VCF-style: chr13-32336733-A-G. GRCh37 (hg19) VCF-style: chr13-32910870-A-G.
Other names: c.2378A>G, p.Lys793Arg (NM_001406719.1, NM_001406720.1); c.1909+3346A>G (NM_001406721.1); c.424+5703A>G (NM_001406722.1); short protein forms K793R.
Identifiers: ClinVar variation 2820927 (VCV002820927.3), dbSNP rs2137485877, ClinGen allele CA387771819.
Genomic context (GRCh38, chr13:32,336,733, plus strand): 5'-CTACTTCCAAGGATGTTCTGTCAAACCTAGTCATGATTTCTAGAGGCAAAGAATCATACA[A>G]AATGTCAGACAAGCTCAAAGGTAACAATTATGAATCTGATGTTGAATTAACCAAAAATAT-3'
Protein context (NP_000050.3, residues 783-803): VMISRGKESY[Lys793Arg]MSDKLKGNNY